The following is an entry in ClinVar:

NM_133510.4(RAD51B):c.95G>T (p.Cys32Phe)

Gene: RAD51B (RAD51 paralog B; plus strand). Cytogenetic location: 14q24.1.
Variant type: single nucleotide variant.
Coding change: c.95G>T on transcript NM_133510.4 (MANE Select); coding-DNA position 95, G replaced by T.
Protein change: p.Cys32Phe; replaces cysteine 32 with phenylalanine.
Molecular consequence: missense variant. On other transcripts: 5 prime UTR variant (2).
Genome position (GRCh38, 1-based): chr14:67,825,474, G>T. VCF-style: chr14-67825474-G-T. GRCh37 (hg19) VCF-style: chr14-68292191-G-T.
Other names: c.95G>T, p.Cys32Phe (NM_001321809.2, NM_001321810.2, NM_001321812.1 and 6 more transcripts); c.-20G>T (NM_001321815.1); c.-361G>T (NM_001321817.2); short protein forms C32F.
Identifiers: ClinVar variation 3786439 (VCV003786439.1).

ClinVar aggregate classification (germline): Uncertain significance (1 of 4 stars; one submission).

gnomAD v4.1: 1 of 1,609,298 alleles (0.000062%); highest among the groups gnomAD compares: Non-Finnish European, 0.000085%; no homozygotes.

Submission:

Ambry Genetics
Classification: Uncertain significance. Last evaluated: 2025-02-01. Review status: criteria provided, single submitter. Criteria: Ambry Variant Classification Scheme 2023. Collection method: clinical testing. Allele origin: germline.
Comment: The p.C32F variant (also known as c.95G>T), located in coding exon 2 of the RAD51B gene, results from a G to T substitution at nucleotide position 95. The cysteine at codon 32 is replaced by phenylalanine, an amino acid with highly dissimilar properties. This amino acid position is conserved. In addition, this alteration is predicted to be tolerated by in silico analysis. Based on the available evidence, the clinical significance of this variant remains unclear.